The following is an entry in ClinVar:

ClinVar aggregate classification (germline): Pathogenic. Review status: criteria provided, multiple submitters, no conflicts (2 of 4 stars). 3 submissions from 3 submitters: Pathogenic (2). 1 of the submissions does not count toward it. Last evaluated 2025-07-09.

Conditions:
COL18A1-related disorder. Also called: COL18A1-related condition; COL18A1-related disorders.
Cataract. Also called: Cataract (disease); cataracts. Identifiers: MedGen C0086543, MeSH D002386, MONDO:0005129, HP:0000518.
High myopia. Also called: Severe Myopia. Identifiers: MedGen C0271183, HP:0011003.
Retinal dystrophy. Also called: Inherited retinal dystrophy. Identifiers: Orphanet 71862, MedGen C0854723, MeSH D058499, MONDO:0019118, HP:0000556.
Nystagmus. Identifiers: MedGen C0028738, MONDO:0004843, HP:0000639.

Allele frequency attached by ClinVar (database versions not stated): ExAC 0.00001; gnomAD exomes 0.00001; TOPMed 0.00001; gnomAD 0.00003.
gnomAD v4.1: 16 of 1,612,030 alleles (0.00099%); highest among the groups gnomAD compares: Non-Finnish European, 0.0013%; no homozygotes.

Submissions (3):

Labcorp Genetics (formerly Invitae), Labcorp
Classification: Pathogenic. Last evaluated: 2025-07-09. Review status: criteria provided, single submitter. Criteria: Invitae Variant Classification Sherloc (09022015). Collection method: clinical testing. Allele origin: germline.
Comment: This sequence change affects an acceptor splice site in intron 6 of the COL18A1 gene. It is expected to disrupt RNA splicing. Variants that disrupt the donor or acceptor splice site typically lead to a loss of protein function (PMID: 16199547), and loss-of-function variants in COL18A1 are known to be pathogenic (PMID: 12415512, 25456301). This variant is present in population databases (rs765919785, gnomAD 0.005%). Disruption of this splice site has been observed in individual(s) with Knobloch syndrome (PMID: 19390655). In at least one individual the data is consistent with being in trans (on the opposite chromosome) from a pathogenic variant. ClinVar contains an entry for this variant (Variation ID: 373962). Algorithms developed to predict the effect of sequence changes on RNA splicing suggest that this variant may disrupt the consensus splice site. For these reasons, this variant has been classified as Pathogenic.

Blueprint Genetics
Classification: Pathogenic for COL18A1-related disorders. Last evaluated: 2024-03-04. Review status: criteria provided, single submitter. Criteria: ACMG Guidelines, 2015. Collection method: clinical testing. Allele origin: germline. Affected: yes. Observed: 5 variant alleles.

Centre for Mendelian Genomics, University Medical Centre Ljubljana
Classification: Likely pathogenic for Cataract; Nystagmus; Retinal dystrophy; High myopia. Last evaluated: 2016-02-25. Review status: no assertion criteria provided. Collection method: clinical testing. Allele origin: unknown. Affected: yes. Not counted in ClinVar's aggregate classification.

Literature cited by the submitters: PubMed 16199547 (cited by Labcorp Genetics (formerly Invitae), Labcorp); PubMed 12415512 (cited by Labcorp Genetics (formerly Invitae), Labcorp); PubMed 25456301 (cited by Labcorp Genetics (formerly Invitae), Labcorp); PubMed 19390655 (cited by Labcorp Genetics (formerly Invitae), Labcorp).

NM_001379500.1(COL18A1):c.929-2A>G

Gene: COL18A1 (collagen type XVIII alpha 1 chain; plus strand). Cytogenetic location: 21q22.3.
Variant type: single nucleotide variant.
Coding change: c.929-2A>G on transcript NM_001379500.1 (MANE Select); the canonical splice acceptor site of the intron before coding-DNA position 929, A replaced by G.
Molecular consequence: splice acceptor variant.
Genome position (GRCh38, 1-based): chr21:45,477,409, A>G. VCF-style: chr21-45477409-A-G. GRCh37 (hg19) VCF-style: chr21-46897323-A-G.
Other names: c.2174-2A>G (NM_130444.3); c.1469-2A>G (NM_030582.4).
Identifiers: ClinVar variation 373962 (VCV000373962.9), dbSNP rs765919785, ClinGen allele CA10066019.